The following is an entry in ClinVar:

NM_017654.4(SAMD9):c.4062T>G (p.Ser1354Arg)

Gene: SAMD9 (sterile alpha motif domain containing 9; minus strand). Cytogenetic location: 7q21.2.
Variant type: single nucleotide variant.
Coding change: c.4062T>G on transcript NM_017654.4 (MANE Select); coding-DNA position 4062, T replaced by G.
Protein change: p.Ser1354Arg; replaces serine 1354 with arginine.
Molecular consequence: missense variant.
Genome position (GRCh38, 1-based): chr7:93,102,036, A>C on the plus strand (T>G on the coding strand, the complement: SAMD9 is on the minus strand). VCF-style: chr7-93102036-A-C. GRCh37 (hg19) VCF-style: chr7-92731349-A-C.
Other names: c.4062T>G, p.Ser1354Arg (NM_001193307.2); short protein forms S1354R.
Identifiers: ClinVar variation 3682926 (VCV003682926.2).
Genomic context (GRCh38, chr7:93,102,036, plus strand): 5'-TTCTAAGAGAAAAGTATATTCGTTCACTATACATTTCATAGTGCTTATAGCATCCTCTTG[A>C]CTTTTGATAAGATATTCCAAGAGCCCAGAAAACTTGTCTGCTTTTAAAGCTACTAGGTTT-3'
Protein context (NP_060124.2, residues 1344-1364): FSGLLEYLIK[Ser1354Arg]QEDAISTMKC

ClinVar aggregate classification (germline): Uncertain significance (1 of 4 stars; one submission).

Submission:

Labcorp Genetics (formerly Invitae), Labcorp
Classification: Uncertain significance. Last evaluated: 2024-04-17. Review status: criteria provided, single submitter. Criteria: Invitae Variant Classification Sherloc (09022015). Collection method: clinical testing. Allele origin: germline.
Comment: This sequence change replaces serine, which is neutral and polar, with arginine, which is basic and polar, at codon 1354 of the SAMD9 protein (p.Ser1354Arg). This variant is not present in population databases (gnomAD no frequency). This variant has not been reported in the literature in individuals affected with SAMD9-related conditions. Advanced modeling of protein sequence and biophysical properties (such as structural, functional, and spatial information, amino acid conservation, physicochemical variation, residue mobility, and thermodynamic stability) performed at Invitae indicates that this missense variant is not expected to disrupt SAMD9 protein function with a negative predictive value of 95%. In summary, the available evidence is currently insufficient to determine the role of this variant in disease. Therefore, it has been classified as a Variant of Uncertain Significance.